The following is an entry in ClinVar:

NM_199355.4(ADAMTS18):c.1174T>G (p.Phe392Val)

Gene: ADAMTS18 (ADAM metallopeptidase with thrombospondin type 1 motif 18; minus strand). Cytogenetic location: 16q23.1.
Variant type: single nucleotide variant.
Coding change: c.1174T>G on transcript NM_199355.4 (MANE Select); coding-DNA position 1174, T replaced by G.
Protein change: p.Phe392Val; replaces phenylalanine 392 with valine.
Molecular consequence: missense variant.
Genome position (GRCh38, 1-based): chr16:77,362,147, A>C on the plus strand (T>G on the coding strand, the complement: ADAMTS18 is on the minus strand). VCF-style: chr16-77362147-A-C. GRCh37 (hg19) VCF-style: chr16-77396044-A-C.
Other names: c.658T>G, p.Phe220Val (NM_001326358.2); short protein forms F220V, F392V.
Identifiers: ClinVar variation 1524565 (VCV001524565.9), dbSNP rs151112491, ClinGen allele CA8181423.
Genomic context (GRCh38, chr16:77,362,147, plus strand): 5'-GATCTGTTCATACCATACCTAGAGTGTCACATGGTTCATTCTTCCAAGAACAAATATCAA[A>C]TCCTGTTAGTAAGATGGCATGATCATGTCTCTTGCCATTCTTTCCAATGAGGGCAGACTG-3'
Protein context (NP_955387.1, residues 382-402): RHDHAILLTG[Phe392Val]DICSWKNEPC

ClinVar aggregate classification (germline): Uncertain significance. Review status: criteria provided, multiple submitters, no conflicts (2 of 4 stars). 2 submissions from 2 submitters: Uncertain significance (2). Last evaluated 2025-11-10.

Allele frequency attached by ClinVar (database versions not stated): gnomAD exomes below 0.00001 and 0.00003; ExAC 0.00005; gnomAD 0.00009 and 0.00010; TOPMed 0.00009; ESP Exome Variant Server 0.00023.
gnomAD v4.1: 20 of 1,613,962 alleles (0.0012%); highest among the groups gnomAD compares: African/African-American, 0.023%; no homozygotes.

Submissions (2):

Labcorp Genetics (formerly Invitae), Labcorp
Classification: Uncertain significance. Last evaluated: 2025-11-10. Review status: criteria provided, single submitter. Criteria: Invitae Variant Classification Sherloc (09022015). Collection method: clinical testing. Allele origin: germline.
Comment: This sequence change replaces phenylalanine, which is neutral and non-polar, with valine, which is neutral and non-polar, at codon 392 of the ADAMTS18 protein (p.Phe392Val). This variant is present in population databases (rs151112491, gnomAD 0.04%). This variant has not been reported in the literature in individuals affected with ADAMTS18-related conditions. ClinVar contains an entry for this variant (Variation ID: 1524565). An algorithm developed to predict the effect of missense changes on protein structure and function (PolyPhen-2) suggests that this variant is likely to be tolerated. In summary, the available evidence is currently insufficient to determine the role of this variant in disease. Therefore, it has been classified as a Variant of Uncertain Significance.

Blueprint Genetics
Classification: Uncertain significance. Last evaluated: 2019-08-09. Review status: criteria provided, single submitter. Criteria: ACMG Guidelines, 2015. Collection method: clinical testing. Allele origin: germline.